The following is an entry in ClinVar:

NM_001379286.1(ZNF423):c.1225G>A (p.Gly409Arg)

Gene: ZNF423 (zinc finger protein 423; minus strand). Cytogenetic location: 16q12.1.
Variant type: single nucleotide variant.
Coding change: c.1225G>A on transcript NM_001379286.1 (MANE Select); coding-DNA position 1225, G replaced by A.
Protein change: p.Gly409Arg; replaces glycine 409 with arginine.
Molecular consequence: missense variant.
Genome position (GRCh38, 1-based): chr16:49,637,951, C>T on the plus strand (G>A on the coding strand, the complement: ZNF423 is on the minus strand). VCF-style: chr16-49637951-C-T. GRCh37 (hg19) VCF-style: chr16-49671862-C-T.
Other names: c.1021G>A, p.Gly341Arg (NM_001271620.2); c.850G>A, p.Gly284Arg (NM_001330533.2); c.1201G>A, p.Gly401Arg (NM_015069.5); c.1201G>A (NM_015069.2); short protein forms G409R, G401R, G284R, G341R.
Identifiers: ClinVar variation 946604 (VCV000946604.8), dbSNP rs757406757, ClinGen allele CA8046725.

ClinVar aggregate classification (germline): Uncertain significance. Review status: criteria provided, multiple submitters, no conflicts (2 of 4 stars). 2 submissions from 2 submitters: Uncertain significance (2). Last evaluated 2024-10-29.

Conditions:
Nephronophthisis 14 (NPHP14). Identifiers: Orphanet 2318, MedGen C3539071, MONDO:0013916, OMIM 614844.

Allele frequency attached by ClinVar (database versions not stated): gnomAD 0.00001; gnomAD exomes 0.00001 and 0.00004; ExAC 0.00002; TOPMed 0.00002.
gnomAD v4.1: 20 of 1,614,000 alleles (0.0012%); highest among the groups gnomAD compares: Middle Eastern, 0.016%; no homozygotes.

Submissions (2):

Ambry Genetics
Classification: Uncertain significance. Last evaluated: 2024-10-29. Review status: criteria provided, single submitter. Criteria: Ambry Variant Classification Scheme 2023. Collection method: clinical testing. Allele origin: germline.

Labcorp Genetics (formerly Invitae), Labcorp
Classification: Uncertain significance for Nephronophthisis 14. Last evaluated: 2022-05-24. Review status: criteria provided, single submitter. Criteria: Invitae Variant Classification Sherloc (09022015). Collection method: clinical testing. Allele origin: germline.
Comment: This sequence change replaces glycine, which is neutral and non-polar, with arginine, which is basic and polar, at codon 401 of the ZNF423 protein (p.Gly401Arg). This variant is present in population databases (rs757406757, gnomAD 0.02%). This variant has not been reported in the literature in individuals affected with ZNF423-related conditions. ClinVar contains an entry for this variant (Variation ID: 946604). Algorithms developed to predict the effect of missense changes on protein structure and function are either unavailable or do not agree on the potential impact of this missense change (SIFT: "Deleterious"; PolyPhen-2: "Benign"; Align-GVGD: "Class C0"). In summary, the available evidence is currently insufficient to determine the role of this variant in disease. Therefore, it has been classified as a Variant of Uncertain Significance.